The following is an entry in ClinVar:

ClinVar aggregate classification (germline): Uncertain significance (1 of 4 stars; one submission).

Conditions:
Gastrointestinal stromal tumor. Also called: Gastrointestinal stroma tumor; Gastrointestinal stromal tumor, somatic. Identifiers: Orphanet 44890, MedGen C0238198, MeSH D046152, MONDO:0011719, OMIM 606764, HP:0100723.

Submission:

Labcorp Genetics (formerly Invitae), Labcorp
Classification: Uncertain significance for Gastrointestinal stromal tumor. Last evaluated: 2024-04-30. Review status: criteria provided, single submitter. Criteria: Invitae Variant Classification Sherloc (09022015). Collection method: clinical testing. Allele origin: germline.
Comment: This sequence change replaces serine, which is neutral and polar, with asparagine, which is neutral and polar, at codon 285 of the PDGFRA protein (p.Ser285Asn). This variant is not present in population databases (gnomAD no frequency). This variant has not been reported in the literature in individuals affected with PDGFRA-related conditions. ClinVar contains an entry for this variant (Variation ID: 1981317). Advanced modeling of protein sequence and biophysical properties (such as structural, functional, and spatial information, amino acid conservation, physicochemical variation, residue mobility, and thermodynamic stability) performed at Invitae indicates that this missense variant is not expected to disrupt PDGFRA protein function with a negative predictive value of 80%. In summary, the available evidence is currently insufficient to determine the role of this variant in disease. Therefore, it has been classified as a Variant of Uncertain Significance.

NM_006206.6(PDGFRA):c.854G>A (p.Ser285Asn)

Gene: PDGFRA (platelet derived growth factor receptor alpha; plus strand). Cytogenetic location: 4q12.
Variant type: single nucleotide variant.
Coding change: c.854G>A on transcript NM_006206.6 (MANE Select); coding-DNA position 854, G replaced by A.
Protein change: p.Ser285Asn; replaces serine 285 with asparagine.
Molecular consequence: missense variant.
Genome position (GRCh38, 1-based): chr4:54,267,383, G>A. VCF-style: chr4-54267383-G-A. GRCh37 (hg19) VCF-style: chr4-55133550-G-A.
Other names: c.854G>A, p.Ser285Asn (NM_001347827.2, NM_001347829.2); c.929G>A, p.Ser310Asn (NM_001347828.2); c.893G>A, p.Ser298Asn (NM_001347830.2); short protein forms S298N, S285N, S310N.
Identifiers: ClinVar variation 1981317 (VCV001981317.4), dbSNP rs2110265116, ClinGen allele CA356891248.